The following is an entry in ClinVar:

ClinVar aggregate classification (germline): Uncertain significance (1 of 4 stars; one submission).

Conditions:
Moyamoya disease 2 (MYMY2). Also called: MOYAMOYA DISEASE 2, SUSCEPTIBILITY TO. Identifiers: Orphanet 2573, MedGen C1846689, MONDO:0011784, OMIM 607151.

Submission:

3billion
Classification: Uncertain significance for Moyamoya disease 2. Last evaluated: 2025-03-04. Review status: criteria provided, single submitter. Criteria: ACMG Guidelines, 2015. Collection method: clinical testing. Allele origin: germline. Affected: yes.
Comment: The variant is not observed in the gnomAD v4.1.0 dataset. Predicted Consequence/Location: Missense variant. Missense changes are a common disease-causing mechanism. Different missense changes at the same codon have been reported as of uncertain significance (ClinVar ID: VCV001675121, VCV001685066, VCV002832568). Therefore, this variant is classified as VUS according to the recommendation of ACMG/AMP guideline.

NM_001256071.3(RNF213):c.12023T>A (p.Val4008Asp)

Genes: RNF213 (ring finger protein 213; plus strand), RNF213-AS1 (RNF213 antisense RNA 1; minus strand). Cytogenetic location: 17q25.3.
Variant type: single nucleotide variant.
Coding change: c.12023T>A on transcript NM_001256071.3 (MANE Select); coding-DNA position 12023, T replaced by A.
Protein change: p.Val4008Asp; replaces valine 4008 with aspartic acid.
Molecular consequence: missense variant.
Genome position (GRCh38, 1-based): chr17:80,368,011, T>A. VCF-style: chr17-80368011-T-A. GRCh37 (hg19) VCF-style: chr17-78341811-T-A.
Other names: c.12170T>A, p.Val4057Asp (NM_001410195.1, NM_020914.5); short protein forms V4008D, V4057D.
Identifiers: ClinVar variation 4292926 (VCV004292926.1).